The following is an entry in ClinVar:

ClinVar aggregate classification (germline): Uncertain significance (1 of 4 stars; one submission).

Conditions:
Hereditary cancer-predisposing syndrome. Also called: Neoplastic Syndromes, Hereditary; Tumor predisposition; Hereditary neoplastic syndrome; Hereditary Cancer Syndrome. Identifiers: Orphanet 140162, MedGen C0027672, MeSH D009386, MONDO:0015356.

Submission:

Ambry Genetics
Classification: Uncertain significance for Hereditary cancer-predisposing syndrome. Last evaluated: 2026-07-28. Review status: criteria provided, single submitter. Criteria: Ambry Variant Classification Scheme 2023. Collection method: clinical testing. Allele origin: germline.
Comment: The p.P4R variant (also known as c.11C>G), located in coding exon 1 of the TSC2 gene, results from a C to G substitution at nucleotide position 11. The proline at codon 4 is replaced by arginine, an amino acid with dissimilar properties. This amino acid position is well conserved in available vertebrate species. In addition, the in silico prediction for this alteration is inconclusive. Based on the available evidence, the clinical significance of this variant remains unclear.

NM_000548.5(TSC2):c.11C>G (p.Pro4Arg)

Gene: TSC2 (TSC complex subunit 2; plus strand). Cytogenetic location: 16p13.3.
Variant type: single nucleotide variant.
Coding change: c.11C>G on transcript NM_000548.5 (MANE Select); coding-DNA position 11, C replaced by G.
Protein change: p.Pro4Arg; replaces proline 4 with arginine.
Molecular consequence: missense variant. On other transcripts: 5 prime UTR variant (19), non-coding transcript variant (5), intron variant (6).
Genome position (GRCh38, 1-based): chr16:2,048,626, C>G. VCF-style: chr16-2048626-C-G. GRCh37 (hg19) VCF-style: chr16-2098627-C-G.
Other names: c.11C>G, p.Pro4Arg (NM_001077183.3, NM_001114382.3, NM_001318827.2 and 13 more transcripts); c.-216C>G (NM_001318831.2, NM_001406682.1, NM_001406684.1 and 2 more transcripts); c.44C>G, p.Pro15Arg (NM_001318832.2); c.-806C>G (NM_001406680.1, NM_001406683.1, NM_001406687.1); c.-435C>G (NM_001406681.1); c.-1421C>G (NM_001406689.1, NM_001406690.1, NM_001406691.1 and 2 more transcripts); c.-1727C>G (NM_001406693.1); c.-1302C>G (NM_001406694.1, NM_001406695.1); and 4 more; short protein forms P15R, P4R.
Identifiers: ClinVar variation 5031366 (VCV005031366.1).